The following is an entry in ClinVar:

ClinVar aggregate classification (germline): Pathogenic (1 of 4 stars; one submission).

Conditions:
Rare genetic deafness. Identifiers: Orphanet 96210, MedGen C5680250.

Allele frequency attached by ClinVar (database versions not stated): gnomAD exomes below 0.00001; ExAC 0.00001.

Submission:

Laboratory for Molecular Medicine, Mass General Brigham Personalized Medicine
Classification: Pathogenic for Rare genetic deafness. Last evaluated: 2014-06-10. Review status: criteria provided, single submitter. Criteria: LMM Criteria. Collection method: clinical testing. Allele origin: germline. Inheritance: Autosomal recessive inheritance. Observed: 1 variant allele.
Comment: The Arg1735fs variant in OTOF has not been previously reported in individuals wi th hearing loss or in large population studies. This variant is predicted to cau se a frameshift, which alters the protein?s amino acid sequence beginning at pos ition 1735 and leads to a premature termination codon 28 amino acids downstream. This alteration is then predicted to lead to a truncated or absent protein. In summary, this variant meets our criteria to be classified as pathogenic.

NM_194248.3(OTOF):c.5203del (p.Arg1735fs)

Gene: OTOF (otoferlin; minus strand). Cytogenetic location: 2p23.3.
Variant type: Deletion.
Coding change: c.5203del on transcript NM_194248.3 (MANE Select); coding-DNA position 5203, one base deleted (C; older notation c.5203delC).
Protein change: p.Arg1735fs; shifts the reading frame from arginine 1735.
Molecular consequence: frameshift variant.
Genome position (GRCh38, 1-based): chr2:26,462,171, G deleted on the plus strand (C on the coding strand, the reverse complement: OTOF is on the minus strand). VCF-style (leftmost placement, unchanged base first): chr2-26462170-CG-C. GRCh37 (hg19) VCF-style: chr2-26685038-CG-C.
Other names: c.5203del, p.Arg1735fs (NM_001287489.2); c.2902del, p.Arg968fs (NM_004802.4, NM_194323.3); c.3133del, p.Arg1045fs (NM_194322.3); short protein forms R968fs, R1735fs, R1045fs.
Identifiers: ClinVar variation 164835 (VCV000164835.5), dbSNP rs727503352, ClinGen allele CA273211.
Genomic context (GRCh38, chr2:26,462,170, plus strand): 5'-TCCCCTGTGAAGAAGTCGTCGTCCTCCAAGACCACCTCATCTGTGTTCCAGATGATGACC[CG>C]CAGCTCGTACCTGGGCCCAGGGAGAGAAGGCTGGTTAGCAGCCCCAGGTGGGGGTTATGC-3'